The following is an entry in ClinVar:

ClinVar aggregate classification (germline): Uncertain significance (1 of 4 stars; one submission).

Submission:

Labcorp Genetics (formerly Invitae), Labcorp
Classification: Uncertain significance. Last evaluated: 2022-10-25. Review status: criteria provided, single submitter. Criteria: Invitae Variant Classification Sherloc (09022015). Collection method: clinical testing. Allele origin: germline.
Comment: This variant results in a copy number gain of the genomic region encompassing exon(s) 2-4 of the SAMD11 gene. This region includes the initiator codon of the gene. This copy number gain extends beyond the assayed region for this gene and therefore may encompass additional genes. As the precise location of this event is unknown, it may be in tandem or it may be located elsewhere in the genome. This variant has not been reported in the literature in individuals affected with SAMD11-related conditions. Experimental studies and prediction algorithms are not available or were not evaluated, and the functional significance of this variant is currently unknown. In summary, the available evidence is currently insufficient to determine the role of this variant in disease. Therefore, it has been classified as a Variant of Uncertain Significance.

NC_000001.10:g.(?_861322)_(866489_?)dup

Gene: SAMD11 (sterile alpha motif domain containing 11; plus strand). Cytogenetic location: 1p36.33.
Variant type: Duplication.
Identifiers: ClinVar variation 1434572 (VCV001434572.4).